The following is an entry in ClinVar:

NM_006642.5(SDCCAG8):c.1942C>T (p.Gln648Ter)

Gene: SDCCAG8 (SHH signaling and ciliogenesis regulator SDCCAG8; plus strand). Cytogenetic location: 1q43.
Variant type: single nucleotide variant.
Coding change: c.1942C>T on transcript NM_006642.5 (MANE Select); coding-DNA position 1942, C replaced by T.
Protein change: p.Gln648Ter; replaces glutamine 648 with a stop codon.
Molecular consequence: nonsense.
Genome position (GRCh38, 1-based): chr1:243,426,515, C>T. VCF-style: chr1-243426515-C-T. GRCh37 (hg19) VCF-style: chr1-243589817-C-T.
Other names: c.1039C>T, p.Gln347Ter (NM_001350246.2, NM_001350247.2, NM_001350251.2); c.2038C>T, p.Gln680Ter (NM_001350248.2); c.1648C>T, p.Gln550Ter (NM_001350249.2); short protein forms Q648*, Q680*, Q550*, Q347*.
Identifiers: ClinVar variation 931345 (VCV000931345.3), dbSNP rs367572249, ClinGen allele CA1483780.
Genomic context (GRCh38, chr1:243,426,515, plus strand): 5'-AAAAGGTATACATATGATAAATTGGGAAAGTTACAGAGAAGAAATGAAGAATTGGAGGAA[C>T]AGTGTGTCCAGCATGGGAGAGTACATGAGACGATGAAGCAAAGGTAATCAAGGTTTCATG-3'

ClinVar aggregate classification (germline): Likely pathogenic (1 of 4 stars; one submission).

Conditions:
Bardet-Biedl syndrome 16 (BBS16). Identifiers: Orphanet 110, MedGen C3889474, MONDO:0014444, OMIM 615993.

Allele frequency attached by ClinVar (database versions not stated): gnomAD exomes below 0.00001 and 0.00001; TOPMed below 0.00001; ExAC 0.00001; gnomAD 0.00001; ESP Exome Variant Server 0.00008.
gnomAD v4.1: 11 of 1,613,780 alleles (0.00068%); highest among the groups gnomAD compares: African/African-American, 0.004%; no homozygotes.

Submission:

Centre for Mendelian Genomics, University Medical Centre Ljubljana
Classification: Likely pathogenic for Bardet-Biedl syndrome 16. Last evaluated: 2020-02-26. Review status: criteria provided, single submitter. Criteria: ACMG Guidelines, 2015. Collection method: clinical testing. Allele origin: unknown. Affected: yes.
Comment: This variant was classified as: Likely pathogenic. The following ACMG criteria were applied in classifying this variant: PVS1,PM2.